The following is an entry in ClinVar:

NM_138694.4(PKHD1):c.10767G>C (p.Gln3589His)

Gene: PKHD1 (PKHD1 ciliary IPT domain containing fibrocystin/polyductin; minus strand). Cytogenetic location: 6p12.3.
Variant type: single nucleotide variant.
Coding change: c.10767G>C on transcript NM_138694.4 (MANE Select); coding-DNA position 10767, G replaced by C.
Protein change: p.Gln3589His; replaces glutamine 3589 with histidine.
Molecular consequence: missense variant.
Genome position (GRCh38, 1-based): chr6:51,659,359, C>G on the plus strand (G>C on the coding strand, the complement: PKHD1 is on the minus strand). VCF-style: chr6-51659359-C-G. GRCh37 (hg19) VCF-style: chr6-51524157-C-G.
Other names: short protein forms Q3589H.
Identifiers: ClinVar variation 4809901 (VCV004809901.1).

ClinVar aggregate classification (germline): Uncertain significance (1 of 4 stars; one submission).

Conditions:
Autosomal recessive polycystic kidney disease (ARPKD). Also called: AR polycystic kidney disease. Identifiers: Orphanet 731, Orphanet 8378, MedGen C0085548, MeSH D017044, MONDO:0009889.

gnomAD v4.1: 6 of 1,613,704 alleles (0.00037%); highest among the groups gnomAD compares: South Asian, 0.0011%; no homozygotes.

Submission:

Labcorp Genetics (formerly Invitae), Labcorp
Classification: Uncertain significance for Autosomal recessive polycystic kidney disease. Last evaluated: 2025-11-15. Review status: criteria provided, single submitter. Criteria: Invitae Variant Classification Sherloc (09022015). Collection method: clinical testing. Allele origin: germline.
Comment: This sequence change replaces glutamine, which is neutral and polar, with histidine, which is basic and polar, at codon 3589 of the PKHD1 protein (p.Gln3589His). This variant is present in population databases (no rsID available, gnomAD 0.003%). This variant has not been reported in the literature in individuals affected with PKHD1-related conditions. Invitae Evidence Modeling of protein sequence and biophysical properties (such as structural, functional, and spatial information, amino acid conservation, physicochemical variation, residue mobility, and thermodynamic stability) indicates that this missense variant is not expected to disrupt PKHD1 protein function with a negative predictive value of 95%. In summary, the available evidence is currently insufficient to determine the role of this variant in disease. Therefore, it has been classified as a Variant of Uncertain Significance.